The following is an entry in ClinVar:

ClinVar aggregate classification (germline): Uncertain significance (1 of 4 stars; one submission).

Allele frequency attached by ClinVar (database versions not stated): ESP Exome Variant Server 0.00008.
gnomAD v4.1: 1 of 1,604,248 alleles (0.000062%); highest among the groups gnomAD compares: Non-Finnish European, 0.000085%; no homozygotes.

Submission:

Women's Health and Genetics/Laboratory Corporation of America, LabCorp
Classification: Uncertain significance. Last evaluated: 2023-03-07. Review status: criteria provided, single submitter. Criteria: LabCorp Variant Classification Summary - May 2015. Collection method: clinical testing. Allele origin: germline.
Comment: Variant summary: MYH7 c.3336+20G>T alters a non-conserved nucleotide located close to a canonical splice site and therefore could affect mRNA splicing, leading to a significantly altered protein sequence. 4/4 computational tools predict no significant impact on normal splicing. However, these predictions have yet to be confirmed by functional studies. The variant was absent in 250980 control chromosomes. The available data on variant occurrences in the general population are insufficient to allow any conclusion about variant significance. To our knowledge, no occurrence of c.3336+20G>T in individuals affected with Cardiomyopathy and no experimental evidence demonstrating its impact on protein function have been reported. No clinical diagnostic laboratories have submitted clinical-significance assessments for this variant to ClinVar after 2014. Based on the evidence outlined above, the variant was classified as uncertain significance.

NM_000257.4(MYH7):c.3336+20G>T

Gene: MYH7 (myosin heavy chain 7; minus strand). Cytogenetic location: 14q11.2.
Variant type: single nucleotide variant.
Coding change: c.3336+20G>T on transcript NM_000257.4 (MANE Select); 20 bases into the intron after coding-DNA position 3336, G replaced by T.
Molecular consequence: intron variant.
Genome position (GRCh38, 1-based): chr14:23,420,938, C>A on the plus strand (G>T on the coding strand, the complement: MYH7 is on the minus strand). VCF-style: chr14-23420938-C-A. GRCh37 (hg19) VCF-style: chr14-23890147-C-A.
Other names: c.3336+20G>T (NM_001407004.1).
Identifiers: ClinVar variation 2501058 (VCV002501058.1), dbSNP rs374030900, ClinGen allele CA036807.
Genomic context (GRCh38, chr14:23,420,938, plus strand): 5'-CAGGACACCCTAGAGGAGGGGGCAGGGGAAACAGAACCAGCCCAGGGACTCAGCATCCCG[C>A]GTGGGTGTCCAGACCTCACCTGAAGCTCCTTGAGCTTCTTCTGCAGCTGGCTGCCGAGGG-3'